The following is an entry in ClinVar:

NM_000038.6(APC):c.551T>G (p.Met184Arg)

Gene: APC (APC regulator of Wnt signaling pathway; plus strand). Cytogenetic location: 5q22.2.
Variant type: single nucleotide variant.
Coding change: c.551T>G on transcript NM_000038.6 (MANE Select); coding-DNA position 551, T replaced by G.
Protein change: p.Met184Arg; replaces methionine 184 with arginine.
Molecular consequence: missense variant. On other transcripts: 5 prime UTR variant (1).
Genome position (GRCh38, 1-based): chr5:112,780,809, T>G. VCF-style: chr5-112780809-T-G. GRCh37 (hg19) VCF-style: chr5-112116506-T-G.
Other names: c.551T>G, p.Met184Arg (NM_001354903.2, NM_001127510.3, NM_001354895.2 and 2 more transcripts); c.476T>G, p.Met159Arg (NM_001354904.2, NM_001354898.2); c.374T>G, p.Met125Arg (NM_001354905.2, NM_001354900.2, NM_001354901.2); c.-485T>G (NM_001354906.2); c.581T>G, p.Met194Arg (NM_001127511.3, NM_001354897.2, NM_001354902.2); short protein forms M184R, M194R, M125R, M159R.
Identifiers: ClinVar variation 628633 (VCV000628633.5), dbSNP rs1257143633, ClinGen allele CA16022538.

ClinVar aggregate classification (germline): Uncertain significance (1 of 4 stars; one submission).

Conditions:
Hereditary cancer-predisposing syndrome. Also called: Neoplastic Syndromes, Hereditary; Tumor predisposition; Hereditary neoplastic syndrome; Hereditary Cancer Syndrome. Identifiers: Orphanet 140162, MedGen C0027672, MeSH D009386, MONDO:0015356.

Submission:

Color Diagnostics, LLC DBA Color Health
Classification: Uncertain significance for Hereditary cancer-predisposing syndrome. Last evaluated: 2023-12-05. Review status: criteria provided, single submitter. Criteria: ACMG Guidelines, 2015. Collection method: clinical testing. Allele origin: germline.
Comment: This missense variant replaces methionine with arginine at codon 184 of the APC protein. Computational prediction is inconclusive regarding the impact of this variant on protein structure and function (internally defined REVEL score threshold 0.5 < inconclusive < 0.7, PMID: 27666373). To our knowledge, functional studies have not been reported for this variant. This variant has not been reported in individuals affected with APC-related disorders in the literature. This variant has not been identified in the general population by the Genome Aggregation Database (gnomAD). The available evidence is insufficient to determine the role of this variant in disease conclusively. Therefore, this variant is classified as a Variant of Uncertain Significance.